The following is an entry in ClinVar:

NM_152564.5(VPS13B):c.6047-10A>G

Gene: VPS13B (vacuolar protein sorting 13 homolog B; plus strand). Cytogenetic location: 8q22.2.
Variant type: single nucleotide variant.
Coding change: c.6047-10A>G on transcript NM_152564.5 (MANE Select); 10 bases into the intron before coding-DNA position 6047, A replaced by G.
Molecular consequence: intron variant.
Genome position (GRCh38, 1-based): chr8:99,699,515, A>G. VCF-style: chr8-99699515-A-G. GRCh37 (hg19) VCF-style: chr8-100711743-A-G.
Other names: c.6122-10A>G (NM_017890.5); c.6047-10A>G (NM_152564.4).
Identifiers: ClinVar variation 1103744 (VCV001103744.11), dbSNP rs761450531, ClinGen allele CA183025265.

ClinVar aggregate classification (germline): Likely benign. Review status: criteria provided, single submitter (1 of 4 stars). 2 submissions from 2 submitters: Likely benign (1). 1 of the submissions does not count toward it. Last evaluated 2026-01-26.

Conditions:
VPS13B-related disorder. Also called: VPS13B-related condition.
Cohen syndrome (COH1). Also called: Cutis verticis gyrata, retinitis pigmentosa, and sensorineural deafness; PEPPER SYNDROME. Identifiers: Orphanet 193, MedGen C0265223, MONDO:0008999, OMIM 216550.

Allele frequency attached by ClinVar (database versions not stated): gnomAD exomes below 0.00001; TOPMed 0.00003; gnomAD 0.00004.
gnomAD v4.1: 9 of 1,612,484 alleles (0.00056%); highest among the groups gnomAD compares: African/African-American, 0.011%; no homozygotes.

Submissions (2):

Labcorp Genetics (formerly Invitae), Labcorp
Classification: Likely benign for Cohen syndrome. Last evaluated: 2026-01-26. Review status: criteria provided, single submitter. Criteria: Invitae Variant Classification Sherloc (09022015). Collection method: clinical testing. Allele origin: germline.

PreventionGenetics, part of Exact Sciences
Classification: Likely benign for VPS13B-related condition. Last evaluated: 2020-11-23. Review status: no assertion criteria provided. Collection method: clinical testing. Allele origin: germline. Not counted in ClinVar's aggregate classification.
Comment: This variant is classified as likely benign based on ACMG/AMP sequence variant interpretation guidelines (Richards et al. 2015 PMID: 25741868, with internal and published modifications).